The following is an entry in ClinVar:

ClinVar aggregate classification (germline): Uncertain significance. Review status: criteria provided, multiple submitters, no conflicts (2 of 4 stars). 2 submissions from 2 submitters: Uncertain significance (2). Last evaluated 2025-12-21.

Conditions:
Cutis laxa, X-linked (OHS). Also called: EDS IX; Occipital horn syndrome. Identifiers: Orphanet 198, MedGen C0268353, MONDO:0010572, OMIM 304150.
X-linked distal spinal muscular atrophy type 3. Also called: ATP7A-Related Distal Motor Neuropathy; SPINAL MUSCULAR ATROPHY, DISTAL, X-LINKED RECESSIVE; NEURONOPATHY, DISTAL HEREDITARY MOTOR, X-LINKED; NEUROPATHY, DISTAL HEREDITARY MOTOR, X-LINKED. Identifiers: Orphanet 139557, MedGen C1845359, MONDO:0010338, OMIM 300489.
Menkes kinky-hair syndrome (MNK). Also called: Classic Menkes Disease; Copper transport disease; Menkes Disease. Identifiers: Orphanet 565, MedGen C0022716, MONDO:0010651, OMIM 309400.
Inborn genetic diseases. Identifiers: MedGen C0950123, MeSH D030342.

Allele frequency attached by ClinVar (database versions not stated): TOPMed 0.00001.

Submissions (2):

Labcorp Genetics (formerly Invitae), Labcorp
Classification: Uncertain significance for X-linked distal spinal muscular atrophy type 3; Cutis laxa, X-linked; Menkes kinky-hair syndrome. Last evaluated: 2025-12-21. Review status: criteria provided, single submitter. Criteria: Invitae Variant Classification Sherloc (09022015). Collection method: clinical testing. Allele origin: germline.
Comment: This sequence change replaces arginine, which is basic and polar, with glutamine, which is neutral and polar, at codon 201 of the ATP7A protein (p.Arg201Gln). This variant is not present in population databases (gnomAD no frequency). This variant has not been reported in the literature in individuals affected with ATP7A-related conditions. ClinVar contains an entry for this variant (Variation ID: 1505998). Invitae Evidence Modeling of protein sequence and biophysical properties (such as structural, functional, and spatial information, amino acid conservation, physicochemical variation, residue mobility, and thermodynamic stability) indicates that this missense variant is not expected to disrupt ATP7A protein function with a negative predictive value of 95%. In summary, the available evidence is currently insufficient to determine the role of this variant in disease. Therefore, it has been classified as a Variant of Uncertain Significance.

Ambry Genetics
Classification: Uncertain significance for Inborn genetic diseases. Last evaluated: 2024-08-19. Review status: criteria provided, single submitter. Criteria: Ambry Variant Classification Scheme 2023. Collection method: clinical testing. Allele origin: germline.

NM_000052.7(ATP7A):c.602G>A (p.Arg201Gln)

Gene: ATP7A (ATPase copper transporting alpha; plus strand). Cytogenetic location: Xq21.1.
Variant type: single nucleotide variant.
Coding change: c.602G>A on transcript NM_000052.7 (MANE Select); coding-DNA position 602, G replaced by A.
Protein change: p.Arg201Gln; replaces arginine 201 with glutamine.
Molecular consequence: missense variant.
Genome position (GRCh38, 1-based): chrX:77,988,723, G>A. VCF-style: chrX-77988723-G-A. GRCh37 (hg19) VCF-style: chrX-77244219-G-A.
Other names: c.602G>A, p.Arg201Gln (NM_001282224.2); short protein forms R201Q.
Identifiers: ClinVar variation 1505998 (VCV001505998.11), dbSNP rs897502448, ClinGen allele CA331103049.